The following is an entry in ClinVar:

ClinVar aggregate classification (germline): Pathogenic (1 of 4 stars; one submission).

Conditions:
Cohen syndrome (COH1). Also called: Cutis verticis gyrata, retinitis pigmentosa, and sensorineural deafness; PEPPER SYNDROME. Identifiers: Orphanet 193, MedGen C0265223, MONDO:0008999, OMIM 216550.

Submission:

Labcorp Genetics (formerly Invitae), Labcorp
Classification: Pathogenic for Cohen syndrome. Last evaluated: 2022-11-29. Review status: criteria provided, single submitter. Criteria: Invitae Variant Classification Sherloc (09022015). Collection method: clinical testing. Allele origin: germline.
Comment: For these reasons, this variant has been classified as Pathogenic. This variant has not been reported in the literature in individuals affected with VPS13B-related conditions. This variant is a gross deletion of the genomic region encompassing exon(s) 8-39 of the VPS13B gene. This deletion is out-of-frame, and is expected to create a premature termination codon and result in an absent or disrupted protein product. Loss-of-function variants in VPS13B are known to be pathogenic (PMID: 15141358, 16648375, 20461111).

Literature cited by the submitters: PubMed 15141358; PubMed 16648375; PubMed 20461111.

NC_000008.11:g.(?_99121167)_(99721057_?)del

Gene: VPS13B (vacuolar protein sorting 13 homolog B; plus strand). Cytogenetic location: 8q22.2.
Variant type: Deletion.
Identifiers: ClinVar variation 833226 (VCV000833226.3).